The following is an entry in ClinVar:

ClinVar aggregate classification (germline): Uncertain significance. Review status: criteria provided, multiple submitters, no conflicts (2 of 4 stars). 4 submissions from 4 submitters: Uncertain significance (4). Last evaluated 2025-08-06.

Conditions:
Inborn genetic diseases. Identifiers: MedGen C0950123, MeSH D030342.
PROM1-related disorder. Also called: PROM1-related disorders; PROM1-related condition.

Allele frequency attached by ClinVar (database versions not stated): gnomAD 0.00001; TOPMed 0.00002; ExAC 0.00003; ESP Exome Variant Server 0.00008.
gnomAD v4.1: 33 of 1,613,642 alleles (0.002%); highest among the groups gnomAD compares: Non-Finnish European, 0.0025%; no homozygotes.

Submissions (4):

PreventionGenetics, part of Exact Sciences
Classification: Uncertain significance for PROM1-related condition. Last evaluated: 2025-08-06. Review status: criteria provided, single submitter. Criteria: ACMG Guidelines, 2015. Collection method: clinical testing. Allele origin: germline.
Comment: The PROM1 c.895C>T variant is predicted to result in the amino acid substitution p.Arg299Trp. To our knowledge, this variant has not been reported in the literature. This variant is reported in 0.011% of alleles in individuals of European (Non-Finnish) descent in gnomAD. At this time, the clinical significance of this variant is uncertain due to the absence of conclusive functional and genetic evidence.

Labcorp Genetics (formerly Invitae), Labcorp
Classification: Uncertain significance. Last evaluated: 2025-05-26. Review status: criteria provided, single submitter. Criteria: Invitae Variant Classification Sherloc (09022015). Collection method: clinical testing. Allele origin: germline.
Comment: This sequence change replaces arginine, which is basic and polar, with tryptophan, which is neutral and slightly polar, at codon 299 of the PROM1 protein (p.Arg299Trp). This variant is present in population databases (rs200809630, gnomAD 0.01%). This variant has not been reported in the literature in individuals affected with PROM1-related conditions. ClinVar contains an entry for this variant (Variation ID: 1359451). Invitae Evidence Modeling of protein sequence and biophysical properties (such as structural, functional, and spatial information, amino acid conservation, physicochemical variation, residue mobility, and thermodynamic stability) indicates that this missense variant is expected to disrupt PROM1 protein function with a positive predictive value of 80%. In summary, the available evidence is currently insufficient to determine the role of this variant in disease. Therefore, it has been classified as a Variant of Uncertain Significance.

Blueprint Genetics
Classification: Uncertain significance. Last evaluated: 2024-08-19. Review status: criteria provided, single submitter. Criteria: ACMG Guidelines, 2015. Collection method: clinical testing. Allele origin: germline.

Ambry Genetics
Classification: Uncertain significance for Inborn genetic diseases. Last evaluated: 2023-05-31. Review status: criteria provided, single submitter. Criteria: Ambry Variant Classification Scheme 2023. Collection method: clinical testing. Allele origin: germline.

NM_006017.3(PROM1):c.895C>T (p.Arg299Trp)

Gene: PROM1 (prominin 1; minus strand). Cytogenetic location: 4p15.32.
Variant type: single nucleotide variant.
Coding change: c.895C>T on transcript NM_006017.3 (MANE Select); coding-DNA position 895, C replaced by T.
Protein change: p.Arg299Trp; replaces arginine 299 with tryptophan.
Molecular consequence: missense variant.
Genome position (GRCh38, 1-based): chr4:16,018,430, G>A on the plus strand (C>T on the coding strand, the complement: PROM1 is on the minus strand). VCF-style: chr4-16018430-G-A. GRCh37 (hg19) VCF-style: chr4-16020053-G-A.
Other names: c.868C>T, p.Arg290Trp (NM_001145847.2, NM_001145848.2, NM_001145851.2 and 4 more transcripts); c.895C>T, p.Arg299Trp (NM_001145849.2, NM_001145850.2); c.895C>T (NM_006017.2); short protein forms R299W, R290W.
Identifiers: ClinVar variation 1359451 (VCV001359451.11), dbSNP rs200809630, ClinGen allele CA2866924.